The following is an entry in ClinVar:

ClinVar aggregate classification (germline): Uncertain significance (1 of 4 stars; one submission).

Submission:

Labcorp Genetics (formerly Invitae), Labcorp
Classification: Uncertain significance. Last evaluated: 2022-02-22. Review status: criteria provided, single submitter. Criteria: Invitae Variant Classification Sherloc (09022015). Collection method: clinical testing. Allele origin: germline.
Comment: This variant has not been reported in the literature in individuals affected with PCLO-related conditions. Algorithms developed to predict the effect of missense changes on protein structure and function output the following: SIFT: "Tolerated"; PolyPhen-2: "Not Available"; Align-GVGD: "Class C0". The serine amino acid residue is found in multiple mammalian species, which suggests that this missense change does not adversely affect protein function. In summary, the available evidence is currently insufficient to determine the role of this variant in disease. Therefore, it has been classified as a Variant of Uncertain Significance. This variant is not present in population databases (gnomAD no frequency). This sequence change replaces proline, which is neutral and non-polar, with serine, which is neutral and polar, at codon 980 of the PCLO protein (p.Pro980Ser).

NM_033026.6(PCLO):c.2938C>T (p.Pro980Ser)

Gene: PCLO (piccolo presynaptic cytomatrix protein; minus strand). Cytogenetic location: 7q21.11.
Variant type: single nucleotide variant.
Coding change: c.2938C>T on transcript NM_033026.6 (MANE Select); coding-DNA position 2938, C replaced by T.
Protein change: p.Pro980Ser; replaces proline 980 with serine.
Molecular consequence: missense variant.
Genome position (GRCh38, 1-based): chr7:83,134,612, G>A on the plus strand (C>T on the coding strand, the complement: PCLO is on the minus strand). VCF-style: chr7-83134612-G-A. GRCh37 (hg19) VCF-style: chr7-82763928-G-A.
Other names: c.2938C>T, p.Pro980Ser (NM_014510.3); short protein forms P980S.
Identifiers: ClinVar variation 2101964 (VCV002101964.4), dbSNP rs2484834032, ClinGen allele CA367898262.